The following is an entry in ClinVar:

NM_004820.5(CYP7B1):c.1474C>T (p.Gln492Ter)

Gene: CYP7B1 (cytochrome P450 family 7 subfamily B member 1; minus strand). Cytogenetic location: 8q12.3.
Variant type: single nucleotide variant.
Coding change: c.1474C>T on transcript NM_004820.5 (MANE Select); coding-DNA position 1474, C replaced by T.
Protein change: p.Gln492Ter; replaces glutamine 492 with a stop codon.
Molecular consequence: nonsense. On other transcripts: intron variant (1).
Genome position (GRCh38, 1-based): chr8:64,596,689, G>A on the plus strand (C>T on the coding strand, the complement: CYP7B1 is on the minus strand). VCF-style: chr8-64596689-G-A. GRCh37 (hg19) VCF-style: chr8-65509246-G-A.
Other names: c.1234-6845C>T (NM_001324112.2); short protein forms Q492*.
Identifiers: ClinVar variation 1524063 (VCV001524063.6), dbSNP rs2129629748, ClinGen allele CA371333094.

ClinVar aggregate classification (germline): Uncertain significance (1 of 4 stars; one submission).

Conditions:
Spastic paraplegia. Identifiers: MedGen C0037772, HP:0001258.

Submission:

Labcorp Genetics (formerly Invitae), Labcorp
Classification: Uncertain significance for Spastic paraplegia. Last evaluated: 2024-11-18. Review status: criteria provided, single submitter. Criteria: Invitae Variant Classification Sherloc (09022015). Collection method: clinical testing. Allele origin: germline.
Comment: This sequence change creates a premature translational stop signal (p.Gln492*) in the CYP7B1 gene. While this is not anticipated to result in nonsense mediated decay, it is expected to disrupt the last 15 amino acid(s) of the CYP7B1 protein. This variant is not present in population databases (gnomAD no frequency). This variant has not been reported in the literature in individuals affected with CYP7B1-related conditions. ClinVar contains an entry for this variant (Variation ID: 1524063). In summary, the available evidence is currently insufficient to determine the role of this variant in disease. Therefore, it has been classified as a Variant of Uncertain Significance.